The following is an entry in ClinVar:

ClinVar aggregate classification (germline): Benign/Likely benign. Review status: criteria provided, multiple submitters, no conflicts (2 of 4 stars). 3 submissions from 3 submitters: Benign (2); Likely benign (1). Last evaluated 2026-10-01.

Allele frequency attached by ClinVar (database versions not stated): 1000 Genomes Project 30x 0.00094; 1000 Genomes Project 0.00100; ESP Exome Variant Server 0.00323; TOPMed 0.00350; gnomAD exomes 0.00365.

Submissions (3):

CeGaT Center for Human Genetics Tuebingen
Classification: Likely benign. Last evaluated: 2026-10-01. Review status: criteria provided, single submitter. Criteria: CeGaT Center For Human Genetics Tuebingen Variant Classification Criteria Version 2. Collection method: clinical testing. Allele origin: germline. Affected: yes. Observed: 9 variant alleles.
Comment: UBAC2: BP4, BS2

Labcorp Genetics (formerly Invitae), Labcorp
Classification: Benign. Last evaluated: 2018-06-08. Review status: criteria provided, single submitter. Criteria: Invitae Variant Classification Sherloc (09022015). Collection method: clinical testing. Allele origin: germline.

Breakthrough Genomics
Classification: Benign. Review status: criteria provided, single submitter. Criteria: ACMG Guidelines, 2015. Collection method: not provided. Allele origin: germline. Inheritance: Unknown mechanism. Affected: yes.

NM_001144072.2(UBAC2):c.748C>T (p.Leu250=)

Gene: UBAC2 (UBA domain containing 2; plus strand). Cytogenetic location: 13q32.3.
Variant type: single nucleotide variant.
Coding change: c.748C>T on transcript NM_001144072.2 (MANE Select); coding-DNA position 748, C replaced by T.
Protein change: p.Leu250=; no amino-acid change (leucine 250 retained).
Molecular consequence: synonymous variant. On other transcripts: non-coding transcript variant (1).
Genome position (GRCh38, 1-based): chr13:99,340,506, C>T. VCF-style: chr13-99340506-C-T. GRCh37 (hg19) VCF-style: chr13-99992760-C-T.
Other names: c.643C>T, p.Leu215= (NM_177967.4).
Identifiers: ClinVar variation 725628 (VCV000725628.28), dbSNP rs11551501, ClinGen allele CA7031269.